The following is an entry in ClinVar:

NM_022041.4(GAN):c.1678C>T (p.Leu560Phe)

Gene: GAN (gigaxonin; plus strand). Cytogenetic location: 16q23.2.
Variant type: single nucleotide variant.
Coding change: c.1678C>T on transcript NM_022041.4 (MANE Select); coding-DNA position 1678, C replaced by T.
Protein change: p.Leu560Phe; replaces leucine 560 with phenylalanine.
Molecular consequence: missense variant.
Genome position (GRCh38, 1-based): chr16:81,377,480, C>T. VCF-style: chr16-81377480-C-T. GRCh37 (hg19) VCF-style: chr16-81411085-C-T.
Other names: c.1039C>T, p.Leu347Phe (NM_001377486.1); short protein forms L347F, L560F.
Identifiers: ClinVar variation 1202307 (VCV001202307.10), dbSNP rs143179676, ClinGen allele CA8191855.

ClinVar aggregate classification (germline): Uncertain significance. Review status: criteria provided, multiple submitters, no conflicts (2 of 4 stars). 3 submissions from 3 submitters: Uncertain significance (3). Last evaluated 2022-08-23.

Conditions:
Inborn genetic diseases. Identifiers: MedGen C0950123, MeSH D030342.
Giant axonal neuropathy 1 (GAN1). Also called: GIANT AXONAL NEUROPATHY 1, AUTOSOMAL RECESSIVE; GAN-Related Neurodegeneration. Identifiers: Orphanet 643, MedGen C1850386, MONDO:0009749, OMIM 256850.

Allele frequency attached by ClinVar (database versions not stated): ExAC 0.00002; gnomAD exomes 0.00002 and 0.00005; ESP Exome Variant Server 0.00015.
gnomAD v4.1: 86 of 1,613,966 alleles (0.0053%); highest among the groups gnomAD compares: Non-Finnish European, 0.007%; no homozygotes.

Submissions (3):

Labcorp Genetics (formerly Invitae), Labcorp
Classification: Uncertain significance for Giant axonal neuropathy 1. Last evaluated: 2022-08-23. Review status: criteria provided, single submitter. Criteria: Invitae Variant Classification Sherloc (09022015). Collection method: clinical testing. Allele origin: germline.
Comment: This sequence change replaces leucine, which is neutral and non-polar, with phenylalanine, which is neutral and non-polar, at codon 560 of the GAN protein (p.Leu560Phe). This variant is present in population databases (rs143179676, gnomAD 0.004%). This variant has not been reported in the literature in individuals affected with GAN-related conditions. ClinVar contains an entry for this variant (Variation ID: 1202307). Algorithms developed to predict the effect of missense changes on protein structure and function are either unavailable or do not agree on the potential impact of this missense change (SIFT: "Deleterious"; PolyPhen-2: "Benign"; Align-GVGD: "Class C0"). In summary, the available evidence is currently insufficient to determine the role of this variant in disease. Therefore, it has been classified as a Variant of Uncertain Significance.

Ambry Genetics
Classification: Uncertain significance for Inborn genetic diseases. Last evaluated: 2022-04-19. Review status: criteria provided, single submitter. Criteria: Ambry Variant Classification Scheme 2023. Collection method: clinical testing. Allele origin: germline.
Comment: The p.L560F variant (also known as c.1678C>T), located in coding exon 11 of the GAN gene, results from a C to T substitution at nucleotide position 1678. The leucine at codon 560 is replaced by phenylalanine, an amino acid with highly similar properties. This amino acid position is conserved. In addition, this alteration is predicted to be tolerated by in silico analysis. Since supporting evidence is limited at this time, the clinical significance of this alteration remains unclear.

GeneDx
Classification: Uncertain significance. Last evaluated: 2019-05-13. Review status: criteria provided, single submitter. Criteria: GeneDx Variant Classification Process June 2021. Collection method: clinical testing. Allele origin: germline. Affected: yes.
Comment: Not observed at a significant frequency in large population cohorts (Lek et al., 2016); Missense variants in this gene are often considered pathogenic (Stenson et al., 2014); In silico analysis, which includes protein predictors and evolutionary conservation, supports that this variant does not alter protein structure/function; Has not been previously published as pathogenic or benign to our knowledge